The following is an entry in ClinVar:

NM_058216.3(RAD51C):c.145+177G>T

Gene: RAD51C (RAD51 paralog C; plus strand). Cytogenetic location: 17q22.
Variant type: single nucleotide variant.
Coding change: c.145+177G>T on transcript NM_058216.3 (MANE Select); 177 bases into the intron after coding-DNA position 145, G replaced by T.
Molecular consequence: intron variant.
Genome position (GRCh38, 1-based): chr17:58,692,965, G>T. VCF-style: chr17-58692965-G-T. GRCh37 (hg19) VCF-style: chr17-56770326-G-T.
Other names: c.145+177G>T (NM_002876.4).
Identifiers: ClinVar variation 3228945 (VCV003228945.2), dbSNP rs1429436465, ClinGen allele CA773572583.

ClinVar aggregate classification (germline): Likely pathogenic (1 of 4 stars; one submission).

Conditions:
Hereditary cancer-predisposing syndrome. Also called: Neoplastic Syndromes, Hereditary; Tumor predisposition; Hereditary neoplastic syndrome; Hereditary Cancer Syndrome. Identifiers: Orphanet 140162, MedGen C0027672, MeSH D009386, MONDO:0015356.

Allele frequency attached by ClinVar (database versions not stated): TOPMed 0.00001.

Submission:

Ambry Genetics
Classification: Likely pathogenic for Hereditary cancer-predisposing syndrome. Last evaluated: 2024-08-14. Review status: criteria provided, single submitter. Criteria: Ambry Variant Classification Scheme 2023. Collection method: clinical testing. Allele origin: germline.
Comment: The c.145+177G>T intronic variant results from a G to T substitution 177 nucleotides after coding exon 1 in the RAD51C gene. This nucleotide position is well conserved in available vertebrate species. In silico splice site analysis predicts that this alteration will result in the creation or strengthening of a novel splice donor site. RNA studies have demonstrated that this alteration results in abnormal splicing in the set of samples tested (Ambry internal data). Based on the majority of available evidence to date, this variant is likely to be pathogenic.